The following is an entry in ClinVar:

NM_001999.4(FBN2):c.968G>A (p.Ser323Asn)

Gene: FBN2 (fibrillin 2; minus strand). Cytogenetic location: 5q23.3.
Variant type: single nucleotide variant.
Coding change: c.968G>A on transcript NM_001999.4 (MANE Select); coding-DNA position 968, G replaced by A.
Protein change: p.Ser323Asn; replaces serine 323 with asparagine.
Molecular consequence: missense variant.
Genome position (GRCh38, 1-based): chr5:128,408,784, C>T on the plus strand (G>A on the coding strand, the complement: FBN2 is on the minus strand). VCF-style: chr5-128408784-C-T. GRCh37 (hg19) VCF-style: chr5-127744477-C-T.
Other names: short protein forms S323N.
Identifiers: ClinVar variation 1004936 (VCV001004936.10), dbSNP rs747748647, ClinGen allele CA3395919.

ClinVar aggregate classification (germline): Conflicting classifications of pathogenicity. Review status: criteria provided, conflicting classifications (1 of 4 stars). 2 submissions from 2 submitters: Uncertain significance (1); Likely benign (1). Last evaluated 2025-08-10.

Conditions:
Congenital contractural arachnodactyly (CCA). Also called: Beals-Hecht syndrome; Arthrogryposis, distal, type 9; BEALS SYNDROME. Identifiers: Orphanet 115, MedGen C0220668, MONDO:0007363, OMIM 121050.

Allele frequency attached by ClinVar (database versions not stated): gnomAD exomes 0.00002 and 0.00008; gnomAD 0.00003 and 0.00004; TOPMed 0.00008; ExAC 0.00006.
gnomAD v4.1: 32 of 1,613,734 alleles (0.002%); highest among the groups gnomAD compares: Admixed American, 0.03%; no homozygotes.

Submissions (2):

Labcorp Genetics (formerly Invitae), Labcorp
Classification: Likely benign for Congenital contractural arachnodactyly. Last evaluated: 2025-08-10. Review status: criteria provided, single submitter. Criteria: Invitae Variant Classification Sherloc (09022015). Collection method: clinical testing. Allele origin: germline.

GeneDx
Classification: Uncertain significance. Last evaluated: 2022-08-03. Review status: criteria provided, single submitter. Criteria: GeneDx Variant Classification Process June 2021. Collection method: clinical testing. Allele origin: germline. Affected: yes.
Comment: Has not been previously published as pathogenic or benign to our knowledge; Although located in a calcium-binding EGF-like domain of the FBN2 gene, it does not substitute or introduce a cysteine residue (Callewaert et al., 2009; Frederic et al., 2009); Not located within exons 24-33, where the majority of pathogenic variants reported to date occur (Callewaert et al., 2009; Frederic et al., 2009); In silico analysis supports that this missense variant does not alter protein structure/function; This variant is associated with the following publications: (PMID: 19006240, 18767143)